The following is an entry in ClinVar:

NM_001130009.3(GEN1):c.877G>A (p.Glu293Lys)

Gene: GEN1 (GEN1 structure-specific endonuclease; plus strand). Cytogenetic location: 2p24.2.
Variant type: single nucleotide variant.
Coding change: c.877G>A on transcript NM_001130009.3 (MANE Select); coding-DNA position 877, G replaced by A.
Protein change: p.Glu293Lys; replaces glutamic acid 293 with lysine.
Molecular consequence: missense variant.
Genome position (GRCh38, 1-based): chr2:17,772,708, G>A. VCF-style: chr2-17772708-G-A. GRCh37 (hg19) VCF-style: chr2-17953975-G-A.
Other names: c.877G>A (NM_001130009.1); c.877G>A, p.Glu293Lys (NM_182625.5); short protein forms E293K.
Identifiers: ClinVar variation 2778039 (VCV002778039.4), dbSNP rs2545586427, ClinGen allele CA345917082.

ClinVar aggregate classification (germline): Uncertain significance. Review status: criteria provided, multiple submitters, no conflicts (2 of 4 stars). 2 submissions from 2 submitters: Uncertain significance (2). Last evaluated 2025-06-29.

Submissions (2):

Ambry Genetics
Classification: Uncertain significance. Last evaluated: 2025-06-29. Review status: criteria provided, single submitter. Criteria: Ambry Variant Classification Scheme 2023. Collection method: clinical testing. Allele origin: germline.
Comment: The p.E293K variant (also known as c.877G>A), located in coding exon 7 of the GEN1 gene, results from a G to A substitution at nucleotide position 877. The glutamic acid at codon 293 is replaced by lysine, an amino acid with similar properties. This amino acid position is conserved. In addition, this alteration is predicted to be tolerated by in silico analysis. Based on the available evidence, the clinical significance of this variant remains unclear.

Labcorp Genetics (formerly Invitae), Labcorp
Classification: Uncertain significance. Last evaluated: 2023-05-10. Review status: criteria provided, single submitter. Criteria: Invitae Variant Classification Sherloc (09022015). Collection method: clinical testing. Allele origin: germline.
Comment: This variant is not present in population databases (gnomAD no frequency). This sequence change replaces glutamic acid, which is acidic and polar, with lysine, which is basic and polar, at codon 293 of the GEN1 protein (p.Glu293Lys). In summary, the available evidence is currently insufficient to determine the role of this variant in disease. Therefore, it has been classified as a Variant of Uncertain Significance. An algorithm developed to predict the effect of missense changes on protein structure and function (PolyPhen-2) suggests that this variant is likely to be tolerated. This variant has not been reported in the literature in individuals affected with GEN1-related conditions.